The following is an entry in ClinVar:

ClinVar aggregate classification (germline): Benign (1 of 4 stars; one submission).

Allele frequency attached by ClinVar (database versions not stated): gnomAD exomes 0.33921; gnomAD 0.37011 and 0.37046; TOPMed 0.39521; 1000 Genomes Project 0.40455; 1000 Genomes Project 30x 0.41146.
gnomAD v4.1: 228,726 of 658,770 alleles (35%); highest among the groups gnomAD compares: Admixed American, 48%; 41,506 homozygotes.

Submission:

GeneDx
Classification: Benign. Last evaluated: 2018-06-14. Review status: criteria provided, single submitter. Criteria: GeneDx Variant Classification (06012015). Collection method: clinical testing. Allele origin: germline. Affected: yes.
Comment: This variant is considered likely benign or benign based on one or more of the following criteria: it is a conservative change, it occurs at a poorly conserved position in the protein, it is predicted to be benign by multiple in silico algorithms, and/or has population frequency not consistent with disease.

NM_182961.4(SYNE1):c.24977-1535T>C

Gene: SYNE1 (spectrin repeat containing nuclear envelope protein 1; minus strand). Cytogenetic location: 6q25.2.
Variant type: single nucleotide variant.
Coding change: c.24977-1535T>C on transcript NM_182961.4 (MANE Select); 1535 bases into the intron before coding-DNA position 24977, T replaced by C.
Molecular consequence: intron variant.
Genome position (GRCh38, 1-based): chr6:152,145,300, A>G on the plus strand (T>C on the coding strand, the complement: SYNE1 is on the minus strand). VCF-style: chr6-152145300-A-G. GRCh37 (hg19) VCF-style: chr6-152466435-A-G.
Other names: c.24832+187T>C (NM_033071.5); c.1583-1535T>C (NM_001347701.2); c.1510+187T>C (NM_001347702.2).
Identifiers: ClinVar variation 670215 (VCV000670215.1), dbSNP rs2813486, ClinGen allele CA12282160.